The following is an entry in ClinVar:

NM_203447.4(DOCK8):c.54-55T>C

Gene: DOCK8 (dedicator of cytokinesis 8; plus strand). Cytogenetic location: 9p24.3.
Variant type: single nucleotide variant.
Coding change: c.54-55T>C on transcript NM_203447.4 (MANE Select); 55 bases into the intron before coding-DNA position 54, T replaced by C.
Molecular consequence: intron variant.
Genome position (GRCh38, 1-based): chr9:271,572, T>C. VCF-style: chr9-271572-T-C. GRCh37 (hg19) VCF-style: chr9-271572-T-C.
Identifiers: ClinVar variation 675214 (VCV000675214.2), dbSNP rs75169267, ClinGen allele CA13080023.

ClinVar aggregate classification (germline): Likely benign. Review status: criteria provided, multiple submitters, no conflicts (2 of 4 stars). 2 submissions from 2 submitters: Likely benign (2). Last evaluated 2018-06-14.

Allele frequency attached by ClinVar (database versions not stated): 1000 Genomes Project 30x 0.01749; 1000 Genomes Project 0.01797; TOPMed 0.02854; gnomAD 0.02997 and 0.03045; gnomAD exomes 0.03426.
gnomAD v4.1: 45,066 of 1,320,302 alleles (3.4%); highest among the groups gnomAD compares: Middle Eastern, 5.8%; 958 homozygotes.

Submissions (2):

GeneDx
Classification: Likely benign. Last evaluated: 2018-06-14. Review status: criteria provided, single submitter. Criteria: GeneDx Variant Classification (06012015). Collection method: clinical testing. Allele origin: germline. Affected: yes.
Comment: This variant is considered likely benign or benign based on one or more of the following criteria: it is a conservative change, it occurs at a poorly conserved position in the protein, it is predicted to be benign by multiple in silico algorithms, and/or has population frequency not consistent with disease.

Breakthrough Genomics
Classification: Likely benign. Review status: criteria provided, single submitter. Criteria: ACMG Guidelines, 2015. Collection method: not provided. Allele origin: germline. Inheritance: Autosomal recessive inheritance. Affected: yes.